The following is an entry in ClinVar:

NM_006361.6(HOXB13):c.25T>C (p.Leu9=)

Gene: HOXB13 (homeobox B13; minus strand). Cytogenetic location: 17q21.32.
Variant type: single nucleotide variant.
Coding change: c.25T>C on transcript NM_006361.6 (MANE Select); coding-DNA position 25, T replaced by C.
Protein change: p.Leu9=; no amino-acid change (leucine 9 retained).
Molecular consequence: synonymous variant.
Genome position (GRCh38, 1-based): chr17:48,728,569, A>G on the plus strand (T>C on the coding strand, the complement: HOXB13 is on the minus strand). VCF-style: chr17-48728569-A-G. GRCh37 (hg19) VCF-style: chr17-46805931-A-G.
Identifiers: ClinVar variation 2959152 (VCV002959152.4), dbSNP rs2509516213, ClinGen allele CA500503343.

ClinVar aggregate classification (germline): Benign/Likely benign. Review status: criteria provided, multiple submitters, no conflicts (2 of 4 stars). 2 submissions from 2 submitters: Benign (1); Likely benign (1). Last evaluated 2024-11-24.

Conditions:
Prostate cancer, hereditary, 9 (HPC9). Identifiers: Orphanet 1331, MedGen C1970250, MONDO:0012597, OMIM 610997.

Submissions (2):

Labcorp Genetics (formerly Invitae), Labcorp
Classification: Likely benign. Last evaluated: 2024-11-24. Review status: criteria provided, single submitter. Criteria: Invitae Variant Classification Sherloc (09022015). Collection method: clinical testing. Allele origin: germline.

Myriad Genetics, Inc.
Classification: Benign for Prostate cancer, hereditary, 9. Last evaluated: 2024-10-28. Review status: criteria provided, single submitter. Criteria: Myriad Autosomal Dominant, Autosomal Recessive and X-Linked Classification Criteria (2023). Collection method: clinical testing. Allele origin: unknown.
Comment: This variant is considered benign. This variant is a silent/synonymous amino acid change and it is not expected to impact splicing.